The following is an entry in ClinVar:

NM_005105.5(RBM8A):c.177G>A (p.Gln59=)

Genes: LIX1L-AS1 (LIX1L antisense RNA 1; plus strand), RBM8A (RNA binding motif protein 8A; minus strand), LOC126805851 (MED14-independent group 3 enhancer GRCh37_chr1:145507474-145508673; plus strand). Cytogenetic location: 1q21.1.
Variant type: single nucleotide variant.
Coding change: c.177G>A on transcript NM_005105.5 (MANE Select); coding-DNA position 177, G replaced by A.
Protein change: p.Gln59=; no amino-acid change (glutamine 59 retained).
Molecular consequence: synonymous variant. On other transcripts: non-coding transcript variant (1).
Genome position (GRCh38, 1-based): chr1:145,926,837, C>T on the plus strand (G>A on the coding strand, the complement: RBM8A is on the minus strand). VCF-style: chr1-145926837-C-T. GRCh37 (hg19) VCF-style: chr1-145508256-G-A.
Identifiers: ClinVar variation 2151824 (VCV002151824.5), dbSNP rs782641537, ClinGen allele CA1055286.

ClinVar aggregate classification (germline): Likely benign. Review status: criteria provided, multiple submitters, no conflicts (2 of 4 stars). 2 submissions from 2 submitters: Likely benign (2). Last evaluated 2026-01-22.

Conditions:
RBM8A-related disorder. Also called: RBM8A-related condition.
Radial aplasia-thrombocytopenia syndrome (TAR). Also called: TAR syndrome; Thrombocytopenia Absent Radius Syndrome. Identifiers: Orphanet 3320, MedGen C0175703, MeSH C536940, MONDO:0010121, OMIM 274000.

Allele frequency attached by ClinVar (database versions not stated): ExAC 0.00001; TOPMed 0.00002.

Submissions (2):

PreventionGenetics, part of Exact Sciences
Classification: Likely benign for RBM8A-related condition. Last evaluated: 2026-01-22. Review status: criteria provided, single submitter. Criteria: ACMG Guidelines, 2015. Collection method: clinical testing. Allele origin: germline.
Comment: This variant is classified as likely benign based on ACMG/AMP sequence variant interpretation guidelines (Richards et al. 2015 PMID: 25741868, with internal and published modifications).

Labcorp Genetics (formerly Invitae), Labcorp
Classification: Likely benign for Radial aplasia-thrombocytopenia syndrome. Last evaluated: 2022-05-06. Review status: criteria provided, single submitter. Criteria: Invitae Variant Classification Sherloc (09022015). Collection method: clinical testing. Allele origin: germline.